The following is an entry in ClinVar:

NM_007255.3(B4GALT7):c.29A>T (p.Gln10Leu)

Genes: B4GALT7 (beta-1,4-galactosyltransferase 7; plus strand), LOC129995400 (ATAC-STARR-seq lymphoblastoid silent region 16704; plus strand). Cytogenetic location: 5q35.3.
Variant type: single nucleotide variant.
Coding change: c.29A>T on transcript NM_007255.3 (MANE Select); coding-DNA position 29, A replaced by T.
Protein change: p.Gln10Leu; replaces glutamine 10 with leucine.
Molecular consequence: missense variant.
Genome position (GRCh38, 1-based): chr5:177,600,239, A>T. VCF-style: chr5-177600239-A-T. GRCh37 (hg19) VCF-style: chr5-177027240-A-T.
Other names: p.Gln10Leu; c.29A>T (NM_007255.2); short protein forms Q10L.
Identifiers: ClinVar variation 2154255 (VCV002154255.3), dbSNP rs1311839195, ClinGen allele CA362371577.

ClinVar aggregate classification (germline): Uncertain significance. Review status: criteria provided, multiple submitters, no conflicts (2 of 4 stars). 3 submissions from 3 submitters: Uncertain significance (3). Last evaluated 2025-02-21.

Conditions:
Inborn genetic diseases. Identifiers: MedGen C0950123, MeSH D030342.
Spondylodysplastic Ehlers-Danlos syndrome. Identifiers: Orphanet 536471, Orphanet 75496, MedGen C5680154, MONDO:0007526.

Allele frequency attached by ClinVar (database versions not stated): gnomAD exomes 0.00001.
gnomAD v4.1: 5 of 1,397,366 alleles (0.00036%); highest among the groups gnomAD compares: Non-Finnish European, 0.00037%; no homozygotes.

Submissions (3):

Mayo Clinic Laboratories, Mayo Clinic
Classification: Uncertain significance. Last evaluated: 2025-02-21. Review status: criteria provided, single submitter. Criteria: ACMG Guidelines, 2015. Collection method: clinical testing. Allele origin: germline. Observed: 1 variant allele.
Comment: BP4_moderate, PM2_supporting

Ambry Genetics
Classification: Uncertain significance for Inborn genetic diseases. Last evaluated: 2025-01-29. Review status: criteria provided, single submitter. Criteria: Ambry Variant Classification Scheme 2023. Collection method: clinical testing. Allele origin: germline.

Labcorp Genetics (formerly Invitae), Labcorp
Classification: Uncertain significance for Spondylodysplastic Ehlers-Danlos syndrome. Last evaluated: 2021-12-29. Review status: criteria provided, single submitter. Criteria: Invitae Variant Classification Sherloc (09022015). Collection method: clinical testing. Allele origin: germline.
Comment: This sequence change replaces glutamine, which is neutral and polar, with leucine, which is neutral and non-polar, at codon 10 of the B4GALT7 protein (p.Gln10Leu). This variant is present in population databases (no rsID available, gnomAD 0.01%). This variant has not been reported in the literature in individuals affected with B4GALT7-related conditions. Algorithms developed to predict the effect of missense changes on protein structure and function (SIFT, PolyPhen-2, Align-GVGD) all suggest that this variant is likely to be tolerated. In summary, the available evidence is currently insufficient to determine the role of this variant in disease. Therefore, it has been classified as a Variant of Uncertain Significance.